The following is an entry in ClinVar:

NM_004738.5(VAPB):c.126T>C (p.Phe42=)

Gene: VAPB (VAMP associated protein B and C; plus strand). Cytogenetic location: 20q13.32.
Variant type: single nucleotide variant.
Coding change: c.126T>C on transcript NM_004738.5 (MANE Select); coding-DNA position 126, T replaced by C.
Protein change: p.Phe42=; no amino-acid change (phenylalanine 42 retained).
Molecular consequence: synonymous variant. On other transcripts: non-coding transcript variant (1).
Genome position (GRCh38, 1-based): chr20:58,418,278, T>C. VCF-style: chr20-58418278-T-C. GRCh37 (hg19) VCF-style: chr20-56993334-T-C.
Other names: c.126T>C, p.Phe42= (NM_001195677.2).
Identifiers: ClinVar variation 5041457 (VCV005041457.1).
Genomic context (GRCh38, chr20:58,418,278, plus strand): 5'-CACCGATGTTGTCACCACCAACCTAAAGCTTGGCAACCCGACAGACCGAAATGTGTGTTT[T>C]AAGGTGAAGACTACAGCACCACGTAGGTACTGTGTGAGGCCCAACAGCGGAATCATCGAT-3'
Protein context (NP_004729.1, residues 32-52): LGNPTDRNVC[Phe42=]KVKTTAPRRY

ClinVar aggregate classification (germline): Likely benign (1 of 4 stars; one submission).

gnomAD v4.1: 3 of 1,614,206 alleles (0.00019%); highest among the groups gnomAD compares: Non-Finnish European, 0.00025%; no homozygotes.

Submission:

CeGaT Center for Human Genetics Tuebingen
Classification: Likely benign. Last evaluated: 2026-09-01. Review status: criteria provided, single submitter. Criteria: CeGaT Center For Human Genetics Tuebingen Variant Classification Criteria Version 2. Collection method: clinical testing. Allele origin: germline. Affected: yes. Observed: 1 variant allele.
Comment: VAPB: BP4, BP7